The following is an entry in ClinVar:

ClinVar aggregate classification (germline): Benign. Review status: criteria provided, multiple submitters, no conflicts (2 of 4 stars). 6 submissions from 6 submitters: Benign (6). Last evaluated 2026-02-04.

Conditions:
Ehlers-Danlos syndrome (EDS). Identifiers: Orphanet 98249, MedGen C0013720, MONDO:0020066.
Cardiovascular phenotype. Identifiers: MedGen CN230736.

Allele frequency attached by ClinVar (database versions not stated): gnomAD 0.00297 and 0.00198; ExAC 0.00598; 1000 Genomes Project 30x 0.01265; TOPMed 0.00338; gnomAD exomes 0.00629; 1000 Genomes Project 0.01378.
gnomAD v4.1: 4,655 of 1,613,700 alleles (0.29%); highest among the groups gnomAD compares: East Asian, 7.3%; 150 homozygotes.

Submissions (6):

Labcorp Genetics (formerly Invitae), Labcorp
Classification: Benign. Last evaluated: 2026-02-04. Review status: criteria provided, single submitter. Criteria: Invitae Variant Classification Sherloc (09022015). Collection method: clinical testing. Allele origin: germline.

Women's Health and Genetics/Laboratory Corporation of America, LabCorp
Classification: Benign. Last evaluated: 2026-01-22. Review status: criteria provided, single submitter. Criteria: LabCorp Variant Classification Summary - May 2015. Collection method: clinical testing. Allele origin: germline.

Mayo Clinic Laboratories, Mayo Clinic
Classification: Benign. Last evaluated: 2024-08-21. Review status: criteria provided, single submitter. Criteria: ACMG Guidelines, 2015. Collection method: clinical testing. Allele origin: germline. Observed: 6 variant alleles.
Comment: BA1

GeneDx
Classification: Benign. Last evaluated: 2020-12-04. Review status: criteria provided, single submitter. Criteria: GeneDx Variant Classification Process June 2021. Collection method: clinical testing. Allele origin: germline. Affected: yes.

Genome Diagnostics Laboratory, The Hospital for Sick Children
Classification: Benign for Ehlers-Danlos syndrome. Last evaluated: 2020-07-10. Review status: criteria provided, single submitter. Criteria: ACMG Guidelines, 2015. Collection method: clinical testing. Allele origin: germline.

Ambry Genetics
Classification: Benign for Cardiovascular phenotype. Last evaluated: 2019-06-10. Review status: criteria provided, single submitter. Criteria: Ambry Variant Classification Scheme 2023. Collection method: clinical testing. Allele origin: germline.

NM_001365276.2(TNXB):c.6513C>T (p.Arg2171=)

Gene: TNXB (tenascin XB; minus strand). Cytogenetic location: 6p21.33.
Variant type: single nucleotide variant.
Coding change: c.6513C>T on transcript NM_001365276.2 (MANE Select); coding-DNA position 6513, C replaced by T.
Protein change: p.Arg2171=; no amino-acid change (arginine 2171 retained).
Molecular consequence: synonymous variant.
Genome position (GRCh38, 1-based): chr6:32,067,692, G>A on the plus strand (C>T on the coding strand, the complement: TNXB is on the minus strand). VCF-style: chr6-32067692-G-A. GRCh37 (hg19) VCF-style: chr6-32035469-G-A.
Other names: p.Arg2171=; c.6513C>T, p.Arg2171= (NM_019105.8).
Identifiers: ClinVar variation 1277299 (VCV001277299.9), dbSNP rs117336748, ClinGen allele CA3734406.